The following is an entry in ClinVar:

NM_001267550.2(TTN):c.63000G>T (p.Leu21000Phe)

Genes: TTN (titin; minus strand), TTN-AS1 (TTN antisense RNA 1; plus strand). Cytogenetic location: 2q31.2.
Variant type: single nucleotide variant.
Coding change: c.63000G>T on transcript NM_001267550.2 (MANE Select); coding-DNA position 63000, G replaced by T.
Protein change: p.Leu21000Phe; replaces leucine 21000 with phenylalanine.
Molecular consequence: missense variant.
Genome position (GRCh38, 1-based): chr2:178,588,725, C>A on the plus strand (G>T on the coding strand, the complement: TTN is on the minus strand). VCF-style: chr2-178588725-C-A. GRCh37 (hg19) VCF-style: chr2-179453452-C-A.
Other names: c.58077G>T, p.Leu19359Phe (NM_001256850.1); c.35805G>T, p.Leu11935Phe (NM_003319.4); c.55296G>T, p.Leu18432Phe (NM_133378.4); c.36180G>T, p.Leu12060Phe (NM_133432.3); c.36381G>T, p.Leu12127Phe (NM_133437.4); short protein forms L11935F, L12060F, L12127F, L18432F, L19359F, L21000F.
Identifiers: ClinVar variation 1309851 (VCV001309851.2), dbSNP rs772733348, ClinGen allele CA1992159.

ClinVar aggregate classification (germline): Uncertain significance (1 of 4 stars; one submission).

Allele frequency attached by ClinVar (database versions not stated): gnomAD exomes below 0.00001; ExAC 0.00001.
gnomAD v4.1: 4 of 1,613,050 alleles (0.00025%); highest among the groups gnomAD compares: Middle Eastern, 0.033%; no homozygotes.

Submission:

GeneDx
Classification: Uncertain significance. Last evaluated: 2019-11-01. Review status: criteria provided, single submitter. Criteria: GeneDx Variant Classification Process June 2021. Collection method: clinical testing. Allele origin: germline. Affected: yes.
Comment: Not observed at a significant frequency in large population cohorts (Lek et al., 2016); Missense variant in a gene in which most reported pathogenic variants are truncating/loss-of-function; Has not been previously published as pathogenic or benign to our knowledge